The following is an entry in ClinVar:

NM_001128159.3(VPS53):c.975-1G>A

Gene: VPS53 (VPS53 subunit of GARP complex; minus strand). Cytogenetic location: 17p13.3.
Variant type: single nucleotide variant.
Coding change: c.975-1G>A on transcript NM_001128159.3 (MANE Select); the canonical splice acceptor site of the intron before coding-DNA position 975, G replaced by A.
Molecular consequence: splice acceptor variant.
Genome position (GRCh38, 1-based): chr17:623,675, C>T on the plus strand (G>A on the coding strand, the complement: VPS53 is on the minus strand). VCF-style: chr17-623675-C-T. GRCh37 (hg19) VCF-style: chr17-526915-C-T.
Other names: c.888-1G>A (NM_018289.4); c.975-1G>A (NM_001366253.2); c.381-1G>A (NM_001366254.2).
Identifiers: ClinVar variation 5004629 (VCV005004629.1).

ClinVar aggregate classification (germline): Likely pathogenic (1 of 4 stars; one submission).

Conditions:
Pontocerebellar hypoplasia type 2E. Identifiers: Orphanet 247198, MedGen C4014488, MONDO:0014370, OMIM 615851.

Submission:

Myriad Genetics, Inc.
Classification: Likely pathogenic for Pontocerebellar hypoplasia type 2E. Last evaluated: 2026-04-28. Review status: criteria provided, single submitter. Criteria: Myriad Autosomal Dominant, Autosomal Recessive and X-Linked Classification Criteria (2023). Collection method: clinical testing. Allele origin: unknown.
Comment: NM_001128159.2(VPS53):c.975-1G>A is a variant in a canonical splice site classified as likely pathogenic in the context of pontocerebellar hypoplasia, VPS53-related. c.975-1G>A has not been observed in cases with relevant disease. Relevant functional assessments of this variant are not available in the literature. c.975-1G>A has not been observed in referenced population frequency databases. In summary, NM_001128159.2(VPS53):c.975-1G>A is a variant in a canonical splice site in a gene where loss of function is a known mechanism of disease and is predicted to disrupt protein function. Please note: this variant was assessed in the context of healthy population screening.